The following is an entry in ClinVar:

ClinVar aggregate classification (germline): Uncertain significance (1 of 4 stars; one submission).

Submission:

Ambry Genetics
Classification: Uncertain significance. Last evaluated: 2022-05-11. Review status: criteria provided, single submitter. Criteria: Ambry Variant Classification Scheme 2023. Collection method: clinical testing. Allele origin: germline.
Comment: The p.G257R variant (also known as c.769G>A), located in coding exon 9 of the KATNAL2 gene, results from a G to A substitution at nucleotide position 769. The glycine at codon 257 is replaced by arginine, an amino acid with dissimilar properties. This amino acid position is highly conserved in available vertebrate species. In addition, this alteration is predicted to be deleterious by in silico analysis. Since supporting evidence is limited at this time, the clinical significance of this alteration remains unclear.

NM_001387690.1(KATNAL2):c.985G>A (p.Gly329Arg)

Gene: KATNAL2 (katanin catalytic subunit A1 like 2; plus strand). Cytogenetic location: 18q21.1.
Variant type: single nucleotide variant.
Coding change: c.985G>A on transcript NM_001387690.1 (MANE Select); coding-DNA position 985, G replaced by A.
Protein change: p.Gly329Arg; replaces glycine 329 with arginine.
Molecular consequence: missense variant. On other transcripts: non-coding transcript variant (1).
Genome position (GRCh38, 1-based): chr18:47,069,577, G>A. VCF-style: chr18-47069577-G-A. GRCh37 (hg19) VCF-style: chr18-44595948-G-A.
Other names: c.652G>A, p.Gly218Arg (NM_001353906.1, NM_001353907.1, NM_001353903.1 and 1 more transcripts); c.553G>A, p.Gly185Arg (NM_001353908.1, NM_001353909.1, NM_001353904.1); c.985G>A, p.Gly329Arg (NM_001367621.1, NM_001353901.1); c.769G>A, p.Gly257Arg (NM_031303.3); c.1063G>A, p.Gly355Arg (NM_001353899.1); c.1060G>A, p.Gly354Arg (NM_001353900.1); c.964G>A, p.Gly322Arg (NM_001353902.1); short protein forms G257R, G354R, G185R, G218R, G322R, G355R, G329R.
Identifiers: ClinVar variation 588449 (VCV000588449.5), dbSNP rs367652391, ClinGen allele CA402408447.